The following is an entry in ClinVar:

ClinVar aggregate classification (germline): Uncertain significance (1 of 4 stars; one submission).

Conditions:
Chédiak-Higashi syndrome (CHS). Also called: Chediak-Higashi Syndrome. Identifiers: Orphanet 167, MedGen C0007965, MONDO:0008963, OMIM 214500.

Submission:

Labcorp Genetics (formerly Invitae), Labcorp
Classification: Uncertain significance for Chédiak-Higashi syndrome. Last evaluated: 2022-08-16. Review status: criteria provided, single submitter. Criteria: Invitae Variant Classification Sherloc (09022015). Collection method: clinical testing. Allele origin: germline.
Comment: This sequence change replaces threonine, which is neutral and polar, with isoleucine, which is neutral and non-polar, at codon 1635 of the LYST protein (p.Thr1635Ile). This variant is not present in population databases (gnomAD no frequency). This variant has not been reported in the literature in individuals affected with LYST-related conditions. Algorithms developed to predict the effect of missense changes on protein structure and function are either unavailable or do not agree on the potential impact of this missense change (SIFT: "Tolerated"; PolyPhen-2: "Possibly Damaging"; Align-GVGD: "Class C0"). In summary, the available evidence is currently insufficient to determine the role of this variant in disease. Therefore, it has been classified as a Variant of Uncertain Significance.

NM_000081.4(LYST):c.4904C>T (p.Thr1635Ile)

Gene: LYST (lysosomal trafficking regulator; minus strand). Cytogenetic location: 1q42.3.
Variant type: single nucleotide variant.
Coding change: c.4904C>T on transcript NM_000081.4 (MANE Select); coding-DNA position 4904, C replaced by T.
Protein change: p.Thr1635Ile; replaces threonine 1635 with isoleucine.
Molecular consequence: missense variant.
Genome position (GRCh38, 1-based): chr1:235,782,046, G>A on the plus strand (C>T on the coding strand, the complement: LYST is on the minus strand). VCF-style: chr1-235782046-G-A. GRCh37 (hg19) VCF-style: chr1-235945346-G-A.
Other names: c.4904C>T, p.Thr1635Ile (NM_001301365.1); short protein forms T1635I.
Identifiers: ClinVar variation 1924054 (VCV001924054.2), dbSNP rs2528043556, ClinGen allele CA344956377.